The following is an entry in ClinVar:

NM_001126121.2(SLC25A19):c.634A>C (p.Lys212Gln)

Gene: SLC25A19 (solute carrier family 25 member 19; minus strand). Cytogenetic location: 17q25.1.
Variant type: single nucleotide variant.
Coding change: c.634A>C on transcript NM_001126121.2 (MANE Select); coding-DNA position 634, A replaced by C.
Protein change: p.Lys212Gln; replaces lysine 212 with glutamine.
Molecular consequence: missense variant.
Genome position (GRCh38, 1-based): chr17:75,278,161, T>G on the plus strand (A>C on the coding strand, the complement: SLC25A19 is on the minus strand). VCF-style: chr17-75278161-T-G. GRCh37 (hg19) VCF-style: chr17-73274242-T-G.
Other names: c.634A>C, p.Lys212Gln (NM_001126122.2, NM_021734.5); short protein forms K212Q.
Identifiers: ClinVar variation 4738563 (VCV004738563.1).

ClinVar aggregate classification (germline): Uncertain significance (1 of 4 stars; one submission).

gnomAD v4.1: 2 of 1,613,582 alleles (0.00012%); highest among the groups gnomAD compares: Admixed American, 0.0033%; no homozygotes.

Submission:

Labcorp Genetics (formerly Invitae), Labcorp
Classification: Uncertain significance. Last evaluated: 2025-11-01. Review status: criteria provided, single submitter. Criteria: Invitae Variant Classification Sherloc (09022015). Collection method: clinical testing. Allele origin: germline.
Comment: This sequence change replaces lysine, which is basic and polar, with glutamine, which is neutral and polar, at codon 212 of the SLC25A19 protein (p.Lys212Gln). This variant is present in population databases (no rsID available, gnomAD 0.006%). This variant has not been reported in the literature in individuals affected with SLC25A19-related conditions. Invitae Evidence Modeling of protein sequence and biophysical properties (such as structural, functional, and spatial information, amino acid conservation, physicochemical variation, residue mobility, and thermodynamic stability) indicates that this missense variant is not expected to disrupt SLC25A19 protein function with a negative predictive value of 80%. In summary, the available evidence is currently insufficient to determine the role of this variant in disease. Therefore, it has been classified as a Variant of Uncertain Significance.